The following is an entry in ClinVar:

NM_001005337.3(PKP1):c.1950G>A (p.Ser650=)

Gene: PKP1 (plakophilin 1; plus strand). Cytogenetic location: 1q32.1.
Variant type: single nucleotide variant.
Coding change: c.1950G>A on transcript NM_001005337.3 (MANE Select); coding-DNA position 1950, G replaced by A.
Protein change: p.Ser650=; no amino-acid change (serine 650 retained).
Molecular consequence: synonymous variant.
Genome position (GRCh38, 1-based): chr1:201,325,056, G>A. VCF-style: chr1-201325056-G-A. GRCh37 (hg19) VCF-style: chr1-201294184-G-A.
Other names: c.2013G>A, p.Ser671= (NM_000299.4); c.1950G>A (NM_001005337.2).
Identifiers: ClinVar variation 2170461 (VCV002170461.5), dbSNP rs754917258, ClinGen allele CA1324659.
Genomic context (GRCh38, chr1:201,325,056, plus strand): 5'-CAGCAACTCCGAAGACATCTTGTCCTCGGCCTGCTACACTGTGAGGAACCTGATGGCCTC[G>A]CAGCCACAACTGGCCAAGCAGTACTTCTCCAGCAGCATGCTCAACAACATCATCAACCTG-3'
Protein context (NP_001005337.1, residues 640-660): ACYTVRNLMA[Ser650=]QPQLAKQYFS

ClinVar aggregate classification (germline): Likely benign. Review status: criteria provided, multiple submitters, no conflicts (2 of 4 stars). 2 submissions from 2 submitters: Likely benign (2). Last evaluated 2026-02-11.

Conditions:
PKP1-related disorder. Also called: PKP1-related condition.

Allele frequency attached by ClinVar (database versions not stated): gnomAD 0.00012; TOPMed 0.00014.
gnomAD v4.1: 41 of 1,613,560 alleles (0.0025%); highest among the groups gnomAD compares: African/African-American, 0.037%; no homozygotes.

Submissions (2):

PreventionGenetics, part of Exact Sciences
Classification: Likely benign for PKP1-related condition. Last evaluated: 2026-02-11. Review status: criteria provided, single submitter. Criteria: ACMG Guidelines, 2015. Collection method: clinical testing. Allele origin: germline.
Comment: This variant is classified as likely benign based on ACMG/AMP sequence variant interpretation guidelines (Richards et al. 2015 PMID: 25741868, with internal and published modifications).

Labcorp Genetics (formerly Invitae), Labcorp
Classification: Likely benign. Last evaluated: 2022-07-02. Review status: criteria provided, single submitter. Criteria: Invitae Variant Classification Sherloc (09022015). Collection method: clinical testing. Allele origin: germline.